The following is an entry in ClinVar:

ClinVar aggregate classification (germline): Benign/Likely benign. Review status: criteria provided, multiple submitters, no conflicts (2 of 4 stars). 5 submissions from 5 submitters: Benign (2); Likely benign (2). 1 of the submissions does not count toward it. Last evaluated 2026-09-01.

Conditions:
ZNF341-related disorder. Also called: ZNF341-related condition.

Allele frequency attached by ClinVar (database versions not stated): 1000 Genomes Project 0.00280; 1000 Genomes Project 30x 0.00328; ESP Exome Variant Server 0.00423.

Submissions (5):

CeGaT Center for Human Genetics Tuebingen
Classification: Likely benign. Last evaluated: 2026-09-01. Review status: criteria provided, single submitter. Criteria: CeGaT Center For Human Genetics Tuebingen Variant Classification Criteria Version 2. Collection method: clinical testing. Allele origin: germline. Affected: yes. Observed: 2 variant alleles.
Comment: ZNF341: BS1

Women's Health and Genetics/Laboratory Corporation of America, LabCorp
Classification: Benign. Last evaluated: 2026-02-13. Review status: criteria provided, single submitter. Criteria: LabCorp Variant Classification Summary - May 2015. Collection method: clinical testing. Allele origin: germline.
Comment: Variant summary: ZNF341 c.479C>T (p.Pro160Leu) results in a non-conservative amino acid change in the encoded protein sequence. Algorithms developed to predict the effect of missense changes on protein structure and function are either unavailable or do not agree on the potential impact of this missense change. The variant allele was found at a frequency of 0.00095 in 250870 control chromosomes, predominantly at a frequency of 0.013 within the African or African-American subpopulation in the gnomAD database, including 1 homozygotes. The observed variant frequency within African or African-American control individuals in the gnomAD database exceeds the estimated maximal expected allele frequency for disease-causing variants in ZNF341. To our knowledge, no occurrence of c.479C>T in individuals affected with ZNF341-related conditions and no experimental evidence demonstrating its impact on protein function have been reported. ClinVar contains an entry for this variant (Variation ID: 1170087). Based on the evidence outlined above, the variant was classified as benign.

Labcorp Genetics (formerly Invitae), Labcorp
Classification: Benign. Last evaluated: 2026-01-23. Review status: criteria provided, single submitter. Criteria: Invitae Variant Classification Sherloc (09022015). Collection method: clinical testing. Allele origin: germline.

Blueprint Genetics
Classification: Likely benign. Last evaluated: 2024-11-25. Review status: criteria provided, single submitter. Criteria: ACMG Guidelines, 2015. Collection method: clinical testing. Allele origin: germline.

PreventionGenetics, part of Exact Sciences
Classification: Benign for ZNF341-related condition. Last evaluated: 2024-04-16. Review status: no assertion criteria provided. Collection method: clinical testing. Allele origin: germline. Not counted in ClinVar's aggregate classification.
Comment: This variant is classified as benign based on ACMG/AMP sequence variant interpretation guidelines (Richards et al. 2015 PMID: 25741868, with internal and published modifications).

NM_001282933.2(ZNF341):c.479C>T (p.Pro160Leu)

Gene: ZNF341 (zinc finger protein 341; plus strand). Cytogenetic location: 20q11.22.
Variant type: single nucleotide variant.
Coding change: c.479C>T on transcript NM_001282933.2 (MANE Select); coding-DNA position 479, C replaced by T.
Protein change: p.Pro160Leu; replaces proline 160 with leucine.
Molecular consequence: missense variant. On other transcripts: non-coding transcript variant (1).
Genome position (GRCh38, 1-based): chr20:33,749,062, C>T. VCF-style: chr20-33749062-C-T. GRCh37 (hg19) VCF-style: chr20-32336868-C-T.
Other names: c.479C>T (NM_001282933.1); c.209C>T, p.Pro70Leu (NM_001282935.2); c.479C>T, p.Pro160Leu (NM_032819.5); short protein forms P160L, P70L.
Identifiers: ClinVar variation 1170087 (VCV001170087.14), dbSNP rs141017307, ClinGen allele CA9819174.